The following is an entry in ClinVar:

ClinVar aggregate classification (germline): Likely benign (1 of 4 stars; one submission).

Allele frequency attached by ClinVar (database versions not stated): TOPMed below 0.00001; gnomAD exomes 0.00001; gnomAD 0.00002.
gnomAD v4.1: 19 of 1,550,492 alleles (0.0012%); highest among the groups gnomAD compares: Middle Eastern, 0.033%; no homozygotes.

Submission:

CeGaT Center for Human Genetics Tuebingen
Classification: Likely benign. Last evaluated: 2023-05-01. Review status: criteria provided, single submitter. Criteria: CeGaT Center For Human Genetics Tuebingen Variant Classification Criteria Version 2. Collection method: clinical testing. Allele origin: germline. Affected: yes. Observed: 1 variant allele.
Comment: WDR81: BP4, BP7

NM_001163809.2(WDR81):c.2856A>C (p.Ala952=)

Gene: WDR81 (WD repeat domain 81; plus strand). Cytogenetic location: 17p13.3.
Variant type: single nucleotide variant.
Coding change: c.2856A>C on transcript NM_001163809.2 (MANE Select); coding-DNA position 2856, A replaced by C.
Protein change: p.Ala952=; no amino-acid change (alanine 952 retained).
Molecular consequence: synonymous variant. On other transcripts: intron variant (3).
Genome position (GRCh38, 1-based): chr17:1,727,815, A>C. VCF-style: chr17-1727815-A-C. GRCh37 (hg19) VCF-style: chr17-1631109-A-C.
Other names: c.-123-175A>C (NM_152348.4); c.59-2565A>C (NM_001163673.2); c.-14-2565A>C (NM_001163811.2).
Identifiers: ClinVar variation 2647194 (VCV002647194.24), dbSNP rs1240845308, ClinGen allele CA497394620.
Genomic context (GRCh38, chr17:1,727,815, plus strand): 5'-GTCCGAGGAGCACACAGCTGTGTACACGGCCTGGTATCTGTTTGAGCCTGTTGCCAAGGC[A>C]CTGGGCCCCAAAAATGCCAATAAGTACCTCCTGAAGCCGCTCATTGGTGCCTACGAGAGC-3'
Protein context (NP_001157281.1, residues 942-962): AWYLFEPVAK[Ala952=]LGPKNANKYL